The following is an entry in ClinVar:

ClinVar aggregate classification (germline): Likely benign (1 of 4 stars; one submission).

Allele frequency attached by ClinVar (database versions not stated): gnomAD exomes 0.00029; gnomAD 0.00031; ExAC 0.00089.
gnomAD v4.1: 370 of 1,185,688 alleles (0.031%); highest among the groups gnomAD compares: Middle Eastern, 0.7%; 8 homozygotes.

Submission:

CeGaT Center for Human Genetics Tuebingen
Classification: Likely benign. Last evaluated: 2023-11-01. Review status: criteria provided, single submitter. Criteria: CeGaT Center For Human Genetics Tuebingen Variant Classification Criteria Version 2. Collection method: clinical testing. Allele origin: germline. Affected: yes. Observed: 1 variant allele.
Comment: CNTNAP3B: BP4

NM_001201380.3(CNTNAP3B):c.743G>A (p.Gly248Asp)

Gene: CNTNAP3B (contactin associated protein family member 3B; minus strand). Cytogenetic location: 9p11.2.
Variant type: single nucleotide variant.
Coding change: c.743G>A on transcript NM_001201380.3 (MANE Select); coding-DNA position 743, G replaced by A.
Protein change: p.Gly248Asp; replaces glycine 248 with aspartic acid.
Molecular consequence: missense variant.
Genome position (GRCh38, 1-based): chr9:41,997,752, C>T on the plus strand (G>A on the coding strand, the complement: CNTNAP3B is on the minus strand). VCF-style: chr9-41997752-C-T. GRCh37 (hg19) VCF-style: chr9-43816637-G-A.
Other names: short protein forms G248D.
Identifiers: ClinVar variation 2673175 (VCV002673175.23), dbSNP rs201186150, ClinGen allele CA5068259.